The following is an entry in ClinVar:

ClinVar aggregate classification (germline): Uncertain significance (1 of 4 stars; one submission).

Allele frequency attached by ClinVar (database versions not stated): gnomAD exomes below 0.00001.
gnomAD v4.1: 1 of 1,614,094 alleles (0.000062%); highest among the groups gnomAD compares: Non-Finnish European, 0.000085%; no homozygotes.

Submission:

Labcorp Genetics (formerly Invitae), Labcorp
Classification: Uncertain significance. Last evaluated: 2022-08-15. Review status: criteria provided, single submitter. Criteria: Invitae Variant Classification Sherloc (09022015). Collection method: clinical testing. Allele origin: germline.
Comment: This sequence change replaces tyrosine, which is neutral and polar, with cysteine, which is neutral and slightly polar, at codon 496 of the POLR3A protein (p.Tyr496Cys). This variant is not present in population databases (gnomAD no frequency). This variant has not been reported in the literature in individuals affected with POLR3A-related conditions. Algorithms developed to predict the effect of missense changes on protein structure and function are either unavailable or do not agree on the potential impact of this missense change (SIFT: "Deleterious"; PolyPhen-2: "Probably Damaging"; Align-GVGD: "Class C0"). In summary, the available evidence is currently insufficient to determine the role of this variant in disease. Therefore, it has been classified as a Variant of Uncertain Significance.

NM_007055.4(POLR3A):c.1487A>G (p.Tyr496Cys)

Gene: POLR3A (RNA polymerase III subunit A; minus strand). Cytogenetic location: 10q22.3.
Variant type: single nucleotide variant.
Coding change: c.1487A>G on transcript NM_007055.4 (MANE Select); coding-DNA position 1487, A replaced by G.
Protein change: p.Tyr496Cys; replaces tyrosine 496 with cysteine.
Molecular consequence: missense variant.
Genome position (GRCh38, 1-based): chr10:78,013,735, T>C on the plus strand (A>G on the coding strand, the complement: POLR3A is on the minus strand). VCF-style: chr10-78013735-T-C. GRCh37 (hg19) VCF-style: chr10-79773493-T-C.
Other names: short protein forms Y496C.
Identifiers: ClinVar variation 1915502 (VCV001915502.5), dbSNP rs2493225802, ClinGen allele CA377342066.